The following is an entry in ClinVar:

ClinVar aggregate classification (germline): Pathogenic (1 of 4 stars; one submission).

Conditions:
Eichsfeld type congenital muscular dystrophy (CMYO3). Also called: MYOPATHY, SEPN1-RELATED; SELENON-related myopathy; Congenital myopathy 3 with rigid spine; Rigid spine muscular dystrophy 1. Identifiers: MedGen C0410180, MONDO:0100100, OMIM 602771.

Submission:

Labcorp Genetics (formerly Invitae), Labcorp
Classification: Pathogenic for Eichsfeld type congenital muscular dystrophy. Last evaluated: 2021-07-16. Review status: criteria provided, single submitter. Criteria: Invitae Variant Classification Sherloc (09022015). Collection method: clinical testing. Allele origin: germline.
Comment: This variant has not been reported in the literature in individuals affected with SELENON-related conditions. For these reasons, this variant has been classified as Pathogenic. The frequency data for this variant in the population databases is considered unreliable, as metrics indicate insufficient coverage at this position in the ExAC database. This sequence change creates a premature translational stop signal (p.Arg5Glyfs*81) in the SELENON gene. It is expected to result in an absent or disrupted protein product. Loss-of-function variants in SELENON are known to be pathogenic (PMID: 21131290, 21670436).

Literature cited by the submitters: PubMed 21131290; PubMed 21670436.

NM_206926.2(SELENON):c.8_9insTGCCGGGCCG (p.Arg5fs)

Gene: SELENON (selenoprotein N; plus strand). Cytogenetic location: 1p36.11.
Variant type: Insertion.
Coding change: c.8_9insTGCCGGGCCG on transcript NM_206926.2 (MANE Select); coding-DNA positions 8 to 9, TGCCGGGCCG inserted.
Protein change: p.Arg5fs; shifts the reading frame from arginine 5.
Molecular consequence: frameshift variant, initiator codon variant.
Genome position: GRCh38 VCF-style: chr1-25800232-T-TGGGCCGTGCC. GRCh37 (hg19) VCF-style: chr1-26126723-T-TGGGCCGTGCC.
Other names: c.8_9insTGCCGGGCCG, p.Arg5fs (NM_020451.3); short protein forms R5fs.
Identifiers: ClinVar variation 1445921 (VCV001445921.7), dbSNP rs2124436380, ClinGen allele CA2573132206.